The following is an entry in ClinVar:

NM_001270508.2(TNFAIP3):c.235del (p.Ser79fs)

Gene: TNFAIP3 (TNF alpha induced protein 3; plus strand). Cytogenetic location: 6q23.3.
Variant type: Deletion.
Coding change: c.235del on transcript NM_001270508.2 (MANE Select); coding-DNA position 235, one base deleted (A; older notation c.235delA).
Protein change: p.Ser79fs; shifts the reading frame from serine 79.
Molecular consequence: frameshift variant.
Genome position (GRCh38, 1-based): chr6:137,871,462, A deleted; the last of 3 consecutive A bases (chr6:137,871,460-137,871,462); deleting any one gives the same sequence. VCF-style (leftmost placement, unchanged base first): chr6-137871459-GA-G. GRCh37 (hg19) VCF-style: chr6-138192596-GA-G.
Other names: c.235del, p.Ser79fs (NM_001270507.2, NM_006290.4); short protein forms S79fs.
Identifiers: ClinVar variation 2068888 (VCV002068888.4), dbSNP rs2482709868, ClinGen allele CA2580075098.
Genomic context (GRCh38, chr6:137,871,459, plus strand): 5'-CCTCAGTTTCGGGAGATCATCCACAAAGCCCTCATCGACAGAAACATCCAGGCCACCCTG[GA>G]AAGCCAGAAGAAACTCAACTGGTGTCGAGAAGTCCGGAAGCTTGTGGCGCTGAAAACGAA-3'

ClinVar aggregate classification (germline): Pathogenic (1 of 4 stars; one submission).

Submission:

Labcorp Genetics (formerly Invitae), Labcorp
Classification: Pathogenic. Last evaluated: 2023-10-27. Review status: criteria provided, single submitter. Criteria: Invitae Variant Classification Sherloc (09022015). Collection method: clinical testing. Allele origin: germline.
Comment: This sequence change creates a premature translational stop signal (p.Ser79Alafs*17) in the TNFAIP3 gene. It is expected to result in an absent or disrupted protein product. Loss-of-function variants in TNFAIP3 are known to be pathogenic (PMID: 26642243). This variant is not present in population databases (gnomAD no frequency). This variant has not been reported in the literature in individuals affected with TNFAIP3-related conditions. ClinVar contains an entry for this variant (Variation ID: 2068888). For these reasons, this variant has been classified as Pathogenic.

Literature cited by the submitters: PubMed 26642243.